The following is an entry in ClinVar:

NM_000533.5(PLP1):c.157A>C (p.Lys53Gln)

Genes: PLP1 (proteolipid protein 1; plus strand), RAB9B (RAB9B, member RAS oncogene family; minus strand). Cytogenetic location: Xq22.2.
Variant type: single nucleotide variant.
Coding change: c.157A>C on transcript NM_000533.5 (MANE Select); coding-DNA position 157, A replaced by C.
Protein change: p.Lys53Gln; replaces lysine 53 with glutamine.
Molecular consequence: missense variant. On other transcripts: intron variant (1).
Genome position (GRCh38, 1-based): chrX:103,785,734, A>C. VCF-style: chrX-103785734-A-C. GRCh37 (hg19) VCF-style: chrX-103040663-A-C.
Other names: c.157A>C, p.Lys53Gln (NM_001128834.3, NM_199478.3); c.5-13A>C (NM_001305004.1); short protein forms K53Q.
Identifiers: ClinVar variation 938298 (VCV000938298.9), dbSNP rs2074490089, ClinGen allele CA414102264.
Genomic context (GRCh38, chrX:103,785,734, plus strand): 5'-TGTGGCTGTGGACATGAAGCCCTCACTGGCACAGAAAAGCTAATTGAGACCTATTTCTCC[A>C]AAAACTACCAAGACTATGAGTATCTCATCAATGTGTAAGTACCTGCCCTCCCACACAGAC-3'
Protein context (NP_000524.3, residues 43-63): TEKLIETYFS[Lys53Gln]NYQDYEYLIN

ClinVar aggregate classification (germline): Uncertain significance (1 of 4 stars; one submission).

Conditions:
Hereditary spastic paraplegia 2 (SPG2). Also called: SPASTIC PARAPLEGIA 2, X-LINKED; Spastic Paraplegia 2 (SPG2). Identifiers: Orphanet 99015, MedGen C0751604, MONDO:0010733, OMIM 312920.

Submission:

Labcorp Genetics (formerly Invitae), Labcorp
Classification: Uncertain significance for Hereditary spastic paraplegia 2. Last evaluated: 2022-07-06. Review status: criteria provided, single submitter. Criteria: Invitae Variant Classification Sherloc (09022015). Collection method: clinical testing. Allele origin: germline.
Comment: In summary, the available evidence is currently insufficient to determine the role of this variant in disease. Therefore, it has been classified as a Variant of Uncertain Significance. Algorithms developed to predict the effect of missense changes on protein structure and function are either unavailable or do not agree on the potential impact of this missense change (SIFT: "Not Available"; PolyPhen-2: "Probably Damaging"; Align-GVGD: "Not Available"). ClinVar contains an entry for this variant (Variation ID: 938298). This variant has not been reported in the literature in individuals affected with PLP1-related conditions. This variant is not present in population databases (gnomAD no frequency). This sequence change replaces lysine, which is basic and polar, with glutamine, which is neutral and polar, at codon 53 of the PLP1 protein (p.Lys53Gln).